The following is an entry in ClinVar:

ClinVar aggregate classification (germline): Pathogenic/Likely pathogenic. Review status: criteria provided, multiple submitters, no conflicts (2 of 4 stars). 12 submissions from 11 submitters: Pathogenic (8); Likely pathogenic (3). 1 of the submissions does not count toward it. Last evaluated 2026-02-01.

Conditions:
SPINK5-related disorder. Also called: SPINK5-related condition.
Netherton syndrome (NETH). Also called: NETHERTON DISEASE; ERYTHRODERMA, ICHTHYOSIFORM, WITH HYPOTRICHOSIS AND HYPER-IgE; COMEL-NETHERTON SYNDROME. Identifiers: Orphanet 634, MedGen C5574950, MONDO:0009735, OMIM 256500.
Ichthyosis linearis circumflexa. Identifiers: MedGen C0265962, MONDO:0043106, HP:0025810.
Increased circulating IgE concentration. Also called: Ige, elevated level of; Increased IgE level. Identifiers: MedGen C0236175, HP:0003212.
Erythroderma. Also called: Exfoliative dermatitis. Identifiers: MedGen C0011606, MONDO:0043233, HP:0001019.

Allele frequency attached by ClinVar (database versions not stated): TOPMed 0.00006; ESP Exome Variant Server 0.00026.
gnomAD v4.1: 52 of 1,606,364 alleles (0.0032%); highest among the groups gnomAD compares: Middle Eastern, 0.017%; no homozygotes.

Submissions (12):

Labcorp Genetics (formerly Invitae), Labcorp
Classification: Pathogenic for Ichthyosis linearis circumflexa. Last evaluated: 2026-02-01. Review status: criteria provided, single submitter. Criteria: Invitae Variant Classification Sherloc (09022015). Collection method: clinical testing. Allele origin: germline.
Comment: This sequence change falls in intron 15 of the SPINK5 gene. It does not directly change the encoded amino acid sequence of the SPINK5 protein. The frequency data for this variant in the population databases is considered unreliable, as metrics indicate poor data quality at this position in the gnomAD database. This variant has been observed in individuals with Netherton syndrome (PMID: 15304086, 21255986, 26229701, 28289593). It has also been observed to segregate with disease in related individuals. This variant is also known as 1432-13 G>A. ClinVar contains an entry for this variant (Variation ID: 372516). Algorithms developed to predict the effect of variants on gene product structure and function are not available or were not evaluated for this variant. Experimental studies have shown that this variant affects SPINK5 function (PMID: 15304086, 21255986). Algorithms developed to predict the effect of sequence changes on RNA splicing suggest that this variant may disrupt the consensus splice site. For these reasons, this variant has been classified as Pathogenic.

3billion
Classification: Pathogenic for Netherton syndrome. Last evaluated: 2025-03-14. Review status: criteria provided, single submitter. Criteria: ACMG Guidelines, 2015. Collection method: clinical testing. Allele origin: germline. Affected: yes.
Comment: The variant is observed at an extremely low frequency in the gnomAD v4.1.0 dataset (total allele frequency: 0.003%). Predicted Consequence/Location: Intron variant Functional studies provide moderate evidence of the variant having a damaging effect on the gene or gene product (PMID: 15304086). In silico tools predict the variant to alter splicing and produce an abnormal transcript [SpliceAI: 1.00 (>=0.2, moderate evidence for spliceogenicity)]. The variant has been reported to be in trans with a pathogenic variant as either compound heterozygous or homozygous in at least one similarly affected unrelated individual (PMID: 28289593). The variant has been reported at least twice as pathogenic with clinical assertions and evidence for the classification (ClinVar ID: VCV000372516 / PMID: 15304086). Therefore, this variant is classified as Pathogenic according to the recommendation of ACMG/AMP guideline.

Dasa
Classification: Pathogenic. Last evaluated: 2025-02-11. Review status: criteria provided, single submitter. Criteria: DASA Assertion Criteria. Collection method: clinical testing. Allele origin: germline.
Comment: NM_006846.4(SPINK5):c.1431-12G>A is an intronic variant predicted to affect splicing. Functional and clinical evidence supports a deleterious effect, and the variant has been recurrently observed in individuals with Netherton syndrome in trans with another pathogenic variant (PMID: 15304086, 21255986). Multiple computational predictions support a deleterious effect on the gene or gene product, and it is present at low frequency in population datasets. Based on the available data, this variant is classified as pathogenic.

CeGaT Center for Human Genetics Tuebingen
Classification: Pathogenic. Last evaluated: 2025-02-01. Review status: criteria provided, single submitter. Criteria: CeGaT Center For Human Genetics Tuebingen Variant Classification Criteria Version 2. Collection method: clinical testing. Allele origin: germline. Affected: yes. Observed: 3 variant alleles.
Comment: SPINK5: PM3:Very Strong, PM2

Blueprint Genetics
Classification: Pathogenic for SPINK5-related disorders. Last evaluated: 2024-10-11. Review status: criteria provided, single submitter. Criteria: ACMG Guidelines, 2015. Collection method: clinical testing. Allele origin: germline. Affected: yes. Observed: 5 variant alleles.

Institute of Human Genetics, Clinical Exome/Genome Diagnostics Group, University Hospital Bonn
Classification: Likely pathogenic for Netherton syndrome. Last evaluated: 2024-04-09. Review status: criteria provided, single submitter. Criteria: ACMG Guidelines, 2015. Collection method: clinical testing. Allele origin: maternal. Affected: yes.

Clinical Genetics Laboratory, Skane University Hospital Lund
Classification: Pathogenic. Last evaluated: 2023-11-23. Review status: criteria provided, single submitter. Criteria: ACMG Guidelines, 2015. Collection method: clinical testing. Allele origin: germline. Affected: yes.

GeneDx
Classification: Pathogenic. Last evaluated: 2023-03-11. Review status: criteria provided, single submitter. Criteria: GeneDx Variant Classification Process June 2021. Collection method: clinical testing. Allele origin: germline. Affected: yes.
Comment: This variant is associated with the following publications: (PMID: 26762237, 21255986, 26229701, 19683336, 22089833, 15304086, 29444371, 28289593, 31589614, 32441320)

Fulgent Genetics
Classification: Pathogenic for Netherton syndrome. Last evaluated: 2022-03-29. Review status: criteria provided, single submitter. Criteria: ACMG Guidelines, 2015. Collection method: clinical testing. Allele origin: unknown.

Centre for Mendelian Genomics, University Medical Centre Ljubljana
Classification: Likely pathogenic for Netherton syndrome. Last evaluated: 2016-01-01. Review status: criteria provided, single submitter. Criteria: ACMG Guidelines, 2015. Collection method: clinical testing. Allele origin: unknown. Affected: yes.
Comment: This variant was classified as: Likely pathogenic.

Centre for Mendelian Genomics, University Medical Centre Ljubljana
Classification: Likely pathogenic for Erythroderma; Increased circulating IgE concentration. Last evaluated: 2015-07-13. Review status: criteria provided, single submitter. Criteria: ACMG Guidelines, 2015. Collection method: clinical testing. Allele origin: unknown. Affected: yes.

OMIM
Classification: Pathogenic for NETHERTON SYNDROME. Last evaluated: 2019-04-08. Review status: no assertion criteria provided. Collection method: literature only. Allele origin: germline. Not counted in ClinVar's aggregate classification.

Literature cited by the submitters: PubMed 15304086 (cited by 3 submitters); PubMed 21255986 (cited by Labcorp Genetics (formerly Invitae), Labcorp and Dasa); PubMed 26229701 (cited by Labcorp Genetics (formerly Invitae), Labcorp and Dasa); PubMed 28289593 (cited by 4 submitters); PubMed 19683336 (cited by OMIM).

NM_006846.4(SPINK5):c.1431-12G>A

Gene: SPINK5 (serine peptidase inhibitor Kazal type 5; plus strand). Cytogenetic location: 5q32.
Variant type: single nucleotide variant.
Coding change: c.1431-12G>A on transcript NM_006846.4 (MANE Select); 12 bases into the intron before coding-DNA position 1431, G replaced by A.
Molecular consequence: intron variant.
Genome position (GRCh38, 1-based): chr5:148,104,940, G>A. VCF-style: chr5-148104940-G-A. GRCh37 (hg19) VCF-style: chr5-147484503-G-A.
Other names: IVS15AS, G-A, -12; c.1431-12G>A (NM_001127698.2, NM_001127699.2).
Identifiers: ClinVar variation 372516 (VCV000372516.60), dbSNP rs368134354, ClinGen allele CA3495609.